The following is an entry in ClinVar:

ClinVar aggregate classification (germline): Uncertain significance (1 of 4 stars; one submission).

Allele frequency attached by ClinVar (database versions not stated): gnomAD exomes below 0.00001.
gnomAD v4.1: 2 of 1,613,386 alleles (0.00012%); highest among the groups gnomAD compares: Non-Finnish European, 0.00017%; no homozygotes.

Submission:

Labcorp Genetics (formerly Invitae), Labcorp
Classification: Uncertain significance. Last evaluated: 2022-06-13. Review status: criteria provided, single submitter. Criteria: Invitae Variant Classification Sherloc (09022015). Collection method: clinical testing. Allele origin: germline.
Comment: This sequence change replaces lysine, which is basic and polar, with glutamic acid, which is acidic and polar, at codon 195 of the CD55 protein (p.Lys195Glu). This variant is present in population databases (no rsID available, gnomAD 0.0009%). This variant has not been reported in the literature in individuals affected with CD55-related conditions. Algorithms developed to predict the effect of missense changes on protein structure and function output the following: SIFT: "Tolerated"; PolyPhen-2: "Possibly Damaging"; Align-GVGD: "Class C0". The glutamic acid amino acid residue is found in multiple mammalian species, which suggests that this missense change does not adversely affect protein function. Algorithms developed to predict the effect of sequence changes on RNA splicing suggest that this variant may create or strengthen a splice site. In summary, the available evidence is currently insufficient to determine the role of this variant in disease. Therefore, it has been classified as a Variant of Uncertain Significance.

NM_000574.5(CD55):c.583A>G (p.Lys195Glu)

Gene: CD55 (CD55 molecule (Cromer blood group); plus strand). Cytogenetic location: 1q32.2.
Variant type: single nucleotide variant.
Coding change: c.583A>G on transcript NM_000574.5 (MANE Select); coding-DNA position 583, A replaced by G.
Protein change: p.Lys195Glu; replaces lysine 195 with glutamic acid.
Molecular consequence: missense variant. On other transcripts: non-coding transcript variant (1).
Genome position (GRCh38, 1-based): chr1:207,326,756, A>G. VCF-style: chr1-207326756-A-G. GRCh37 (hg19) VCF-style: chr1-207500101-A-G.
Other names: c.583A>G, p.Lys195Glu (NM_001114752.3, NM_001300902.2, NM_001300903.2 and 1 more transcripts); short protein forms K195E.
Identifiers: ClinVar variation 1346358 (VCV001346358.5), dbSNP rs1222480551, ClinGen allele CA344516932.